The following is an entry in ClinVar:

ClinVar aggregate classification (germline): Uncertain significance (1 of 4 stars; one submission).

Allele frequency attached by ClinVar (database versions not stated): gnomAD exomes 0.00001; TOPMed 0.00001.
gnomAD v4.1: 14 of 1,611,282 alleles (0.00087%); highest among the groups gnomAD compares: Non-Finnish European, 0.0012%; no homozygotes.

Submission:

Labcorp Genetics (formerly Invitae), Labcorp
Classification: Uncertain significance. Last evaluated: 2022-05-08. Review status: criteria provided, single submitter. Criteria: Invitae Variant Classification Sherloc (09022015). Collection method: clinical testing. Allele origin: germline.
Comment: This sequence change replaces lysine, which is basic and polar, with arginine, which is basic and polar, at codon 613 of the HELLS protein (p.Lys613Arg). This variant is not present in population databases (gnomAD no frequency). This variant has not been reported in the literature in individuals affected with HELLS-related conditions. Algorithms developed to predict the effect of missense changes on protein structure and function output the following: SIFT: "Tolerated"; PolyPhen-2: "Benign"; Align-GVGD: "Class C0". The arginine amino acid residue is found in multiple mammalian species, which suggests that this missense change does not adversely affect protein function. Algorithms developed to predict the effect of sequence changes on RNA splicing suggest that this variant may disrupt the consensus splice site. In summary, the available evidence is currently insufficient to determine the role of this variant in disease. Therefore, it has been classified as a Variant of Uncertain Significance.

NM_018063.5(HELLS):c.1838A>G (p.Lys613Arg)

Gene: HELLS (helicase, lymphoid specific; plus strand). Cytogenetic location: 10q23.33.
Variant type: single nucleotide variant.
Coding change: c.1838A>G on transcript NM_018063.5 (MANE Select); coding-DNA position 1838, A replaced by G.
Protein change: p.Lys613Arg; replaces lysine 613 with arginine.
Molecular consequence: missense variant.
Genome position (GRCh38, 1-based): chr10:94,592,299, A>G. VCF-style: chr10-94592299-A-G. GRCh37 (hg19) VCF-style: chr10-96352056-A-G.
Other names: c.1976A>G, p.Lys659Arg (NM_001289067.2); c.1790A>G, p.Lys597Arg (NM_001289068.2); c.1742A>G, p.Lys581Arg (NM_001289069.2); c.1544A>G, p.Lys515Arg (NM_001289070.2); c.1466A>G, p.Lys489Arg (NM_001289071.2); c.1448A>G, p.Lys483Arg (NM_001289072.2); c.1424A>G, p.Lys475Arg (NM_001289073.2); c.755A>G, p.Lys252Arg (NM_001289074.2); and 1 more; short protein forms K252R, K475R, K483R, K489R, K207R, K613R, K597R, K659R.
Identifiers: ClinVar variation 1523960 (VCV001523960.3), dbSNP rs1227344266, ClinGen allele CA377667057.
Genomic context (GRCh38, chr10:94,592,299, plus strand): 5'-AATTGGTAACAAATTCTGGGAAGTTCTTGATTTTGGATCGAATGCTGCCAGAACTAAAAA[A>G]AAGAGGTCACAAGGTGGTACTTTTGATTGGAATTTTGGATTGTTCAATTATTTTTTTATC-3'
Protein context (NP_060533.2, residues 603-623): ILDRMLPELK[Lys613Arg]RGHKVLLFSQ